The following is an entry in ClinVar:

ClinVar aggregate classification (germline): Uncertain significance (0 of 4 stars; one submission).

Conditions:
HSD3B7-related disorder. Also called: HSD3B7-related condition.

gnomAD v4.1: 5 of 1,614,056 alleles (0.00031%); highest among the groups gnomAD compares: Middle Eastern, 0.016%; no homozygotes.

Submission:

PreventionGenetics, part of Exact Sciences
Classification: Uncertain significance for HSD3B7-related condition. Last evaluated: 2024-04-30. Review status: no assertion criteria provided. Collection method: clinical testing. Allele origin: germline.
Comment: The HSD3B7 c.410C>T variant is predicted to result in the amino acid substitution p.Thr137Ile. To our knowledge, this variant has not been reported in the literature or in a large population database, indicating this variant is rare. At this time, the clinical significance of this variant is uncertain due to the absence of conclusive functional and genetic evidence.

NM_025193.4(HSD3B7):c.410C>T (p.Thr137Ile)

Gene: HSD3B7 (hydroxy-delta-5-steroid dehydrogenase, 3 beta- and steroid delta-isomerase 7; plus strand). Cytogenetic location: 16p11.2.
Variant type: single nucleotide variant.
Coding change: c.410C>T on transcript NM_025193.4 (MANE Select); coding-DNA position 410, C replaced by T.
Protein change: p.Thr137Ile; replaces threonine 137 with isoleucine.
Molecular consequence: missense variant.
Genome position (GRCh38, 1-based): chr16:30,986,510, C>T. VCF-style: chr16-30986510-C-T. GRCh37 (hg19) VCF-style: chr16-30997831-C-T.
Other names: c.410C>T, p.Thr137Ile (NM_001142777.2, NM_001142778.2); short protein forms T137I.
Identifiers: ClinVar variation 3357957 (VCV003357957.1).